The following is an entry in ClinVar:

ClinVar aggregate classification (germline): Uncertain significance (1 of 4 stars; one submission).

Conditions:
UCP3-related disorder. Also called: UCP3-related condition.

Allele frequency attached by ClinVar (database versions not stated): ExAC 0.00007; ESP Exome Variant Server 0.00008; gnomAD 0.00009; TOPMed 0.00012; gnomAD exomes 0.00015.
gnomAD v4.1: 236 of 1,614,044 alleles (0.015%); highest among the groups gnomAD compares: Non-Finnish European, 0.019%; no homozygotes.

Submission:

PreventionGenetics, part of Exact Sciences
Classification: Uncertain significance for UCP3-related condition. Last evaluated: 2026-04-23. Review status: criteria provided, single submitter. Criteria: ACMG Guidelines, 2015. Collection method: clinical testing. Allele origin: germline.
Comment: The UCP3 c.88G>A variant is predicted to result in the amino acid substitution p.Val30Ile. To our knowledge, this variant has not been reported in the literature. This variant is reported in 0.014% of alleles in individuals of European (non-Finnish) descent in gnomAD. At this time, the clinical significance of this variant is uncertain due to the absence of conclusive functional and genetic evidence.

NM_003356.4(UCP3):c.88G>A (p.Val30Ile)

Gene: UCP3 (uncoupling protein 3; minus strand). Cytogenetic location: 11q13.4.
Variant type: single nucleotide variant.
Coding change: c.88G>A on transcript NM_003356.4 (MANE Select); coding-DNA position 88, G replaced by A.
Protein change: p.Val30Ile; replaces valine 30 with isoleucine.
Molecular consequence: missense variant.
Genome position (GRCh38, 1-based): chr11:74,006,955, C>T on the plus strand (G>A on the coding strand, the complement: UCP3 is on the minus strand). VCF-style: chr11-74006955-C-T. GRCh37 (hg19) VCF-style: chr11-73718000-C-T.
Other names: c.88G>A, p.Val30Ile (NM_022803.3); short protein forms V30I.
Identifiers: ClinVar variation 2635807 (VCV002635807.4), dbSNP rs199939445, ClinGen allele CA6181655.